The following is an entry in ClinVar:

ClinVar aggregate classification (germline): Uncertain significance (1 of 4 stars; one submission).

Submission:

Labcorp Genetics (formerly Invitae), Labcorp
Classification: Uncertain significance. Last evaluated: 2021-12-25. Review status: criteria provided, single submitter. Criteria: Invitae Variant Classification Sherloc (09022015). Collection method: clinical testing. Allele origin: germline.
Comment: This sequence change replaces aspartic acid, which is acidic and polar, with histidine, which is basic and polar, at codon 2522 of the VCAN protein (p.Asp2522His). This variant is not present in population databases (gnomAD no frequency). This variant has not been reported in the literature in individuals affected with VCAN-related conditions. Algorithms developed to predict the effect of missense changes on protein structure and function output the following: SIFT: "Deleterious"; PolyPhen-2: "Benign"; Align-GVGD: "Class C0". The histidine amino acid residue is found in multiple mammalian species, which suggests that this missense change does not adversely affect protein function. In summary, the available evidence is currently insufficient to determine the role of this variant in disease. Therefore, it has been classified as a Variant of Uncertain Significance.

NM_004385.5(VCAN):c.7564G>C (p.Asp2522His)

Genes: VCAN (versican; plus strand), VCAN-AS1 (VCAN antisense RNA 1; minus strand). Cytogenetic location: 5q14.3.
Variant type: single nucleotide variant.
Coding change: c.7564G>C on transcript NM_004385.5 (MANE Select); coding-DNA position 7564, G replaced by C.
Protein change: p.Asp2522His; replaces aspartic acid 2522 with histidine.
Molecular consequence: missense variant. On other transcripts: intron variant (2).
Genome position (GRCh38, 1-based): chr5:83,540,567, G>C. VCF-style: chr5-83540567-G-C. GRCh37 (hg19) VCF-style: chr5-82836386-G-C.
Other names: c.4603G>C, p.Asp1535His (NM_001164097.2); c.4004-4970G>C (NM_001164098.2); c.1043-4970G>C (NM_001126336.3); short protein forms D1535H, D2522H.
Identifiers: ClinVar variation 2060048 (VCV002060048.4), dbSNP rs2479119359, ClinGen allele CA360314999.